The following is an entry in ClinVar:

NM_001605.3(AARS1):c.2207C>T (p.Ala736Val)

Gene: AARS1 (alanyl-tRNA synthetase 1; minus strand). Cytogenetic location: 16q22.1.
Variant type: single nucleotide variant.
Coding change: c.2207C>T on transcript NM_001605.3 (MANE Select); coding-DNA position 2207, C replaced by T.
Protein change: p.Ala736Val; replaces alanine 736 with valine.
Molecular consequence: missense variant.
Genome position (GRCh38, 1-based): chr16:70,255,807, G>A on the plus strand (C>T on the coding strand, the complement: AARS1 is on the minus strand). VCF-style: chr16-70255807-G-A. GRCh37 (hg19) VCF-style: chr16-70289710-G-A.
Other names: short protein forms A736V.
Identifiers: ClinVar variation 246064 (VCV000246064.2), dbSNP rs879254073, ClinGen allele CA10584530.

ClinVar aggregate classification (germline): Uncertain significance (1 of 4 stars; one submission).

gnomAD v4.1: 1 of 1,613,996 alleles (0.000062%); no homozygotes.

Submission:

GeneDx
Classification: Uncertain significance. Last evaluated: 2015-10-27. Review status: criteria provided, single submitter. Criteria: GeneDx Variant Classification (06012015). Collection method: clinical testing. Allele origin: germline. Affected: yes.
Comment: The A736V variant in the AARS gene has not been reported previously as a pathogenic variant, nor as a benign variant, to our knowledge. The A736V variant was not observed in approximately 6500 individuals of European and African American ancestry in the NHLBI Exome Sequencing Project, indicating it is not a common benign variant in these populations. The A736V variant is a conservative amino acid substitution, which occurs at a position that is conserved across mammalian species. In silico analysis is inconsistent in its predictions as to whether or not the variant is damaging to the protein structure/function. We interpret A736V as a variant of uncertain significance.